The following is an entry in ClinVar:

ClinVar aggregate classification (germline): Benign (1 of 4 stars; one submission).

Submission:

CeGaT Center for Human Genetics Tuebingen
Classification: Benign. Last evaluated: 2026-02-01. Review status: criteria provided, single submitter. Criteria: CeGaT Center For Human Genetics Tuebingen Variant Classification Criteria Version 2. Collection method: clinical testing. Allele origin: germline. Affected: yes. Observed: 1 variant allele.
Comment: UNC13A: BP4, BS1, BS2

NM_001080421.3(UNC13A):c.1238C>T (p.Ala413Val)

Gene: UNC13A (unc-13 homolog A; minus strand). Cytogenetic location: 19p13.11.
Variant type: single nucleotide variant.
Coding change: c.1238C>T on transcript NM_001080421.3 (MANE Select); coding-DNA position 1238, C replaced by T.
Protein change: p.Ala413Val; replaces alanine 413 with valine.
Molecular consequence: missense variant.
Genome position (GRCh38, 1-based): chr19:17,655,928, G>A on the plus strand (C>T on the coding strand, the complement: UNC13A is on the minus strand). VCF-style: chr19-17655928-G-A. GRCh37 (hg19) VCF-style: chr19-17766737-G-A.
Other names: c.1238C>T, p.Ala413Val (NM_001387021.1, NM_001387022.1, NM_001387023.1); short protein forms A413V.
Identifiers: ClinVar variation 4820948 (VCV004820948.4).
Genomic context (GRCh38, chr19:17,655,928, plus strand): 5'-GCCCCGTCCTGTTACCTCTCCTCGTCCTTGGGTGGCTCAGCCTCAGGGATCTGCTCAGCT[G>A]CAGGCACCTTGTCGGGCGTGGCTGGCTTGGGGGCCACCTTGGCCATGTCGGGGGCCTCGG-3'
Protein context (NP_001073890.2, residues 403-423): PKPATPDKVP[Ala413Val]AEQIPEAEPP